The following is an entry in ClinVar:

ClinVar aggregate classification (germline): Uncertain significance. Review status: criteria provided, multiple submitters, no conflicts (2 of 4 stars). 2 submissions from 2 submitters: Uncertain significance (2). Last evaluated 2024-10-03.

Allele frequency attached by ClinVar (database versions not stated): ExAC 0.00001; gnomAD 0.00002 and 0.00004; gnomAD exomes 0.00002; TOPMed 0.00008; 1000 Genomes Project 30x 0.00016; 1000 Genomes Project 0.00020.
gnomAD v4.1: 19 of 1,614,120 alleles (0.0012%); highest among the groups gnomAD compares: Admixed American, 0.012%; no homozygotes.

Submissions (2):

Blueprint Genetics
Classification: Uncertain significance. Last evaluated: 2024-10-03. Review status: criteria provided, single submitter. Criteria: ACMG Guidelines, 2015. Collection method: clinical testing. Allele origin: germline.

Labcorp Genetics (formerly Invitae), Labcorp
Classification: Uncertain significance. Last evaluated: 2022-10-24. Review status: criteria provided, single submitter. Criteria: Invitae Variant Classification Sherloc (09022015). Collection method: clinical testing. Allele origin: germline.
Comment: This sequence change replaces aspartic acid, which is acidic and polar, with asparagine, which is neutral and polar, at codon 352 of the ABCA4 protein (p.Asp352Asn). This variant is present in population databases (rs577385550, gnomAD 0.006%). This missense change has been observed in individual(s) with retinitis pigmentosa (Invitae). ClinVar contains an entry for this variant (Variation ID: 1047684). Advanced modeling of protein sequence and biophysical properties (such as structural, functional, and spatial information, amino acid conservation, physicochemical variation, residue mobility, and thermodynamic stability) performed at Invitae indicates that this missense variant is not expected to disrupt ABCA4 protein function. In summary, the available evidence is currently insufficient to determine the role of this variant in disease. Therefore, it has been classified as a Variant of Uncertain Significance.

NM_000350.3(ABCA4):c.1054G>A (p.Asp352Asn)

Gene: ABCA4 (ATP binding cassette subfamily A member 4; minus strand). Cytogenetic location: 1p22.1.
Variant type: single nucleotide variant.
Coding change: c.1054G>A on transcript NM_000350.3 (MANE Select); coding-DNA position 1054, G replaced by A.
Protein change: p.Asp352Asn; replaces aspartic acid 352 with asparagine.
Molecular consequence: missense variant.
Genome position (GRCh38, 1-based): chr1:94,080,523, C>T on the plus strand (G>A on the coding strand, the complement: ABCA4 is on the minus strand). VCF-style: chr1-94080523-C-T. GRCh37 (hg19) VCF-style: chr1-94546079-C-T.
Other names: c.1054G>A, p.Asp352Asn (NM_001425324.1); short protein forms D352N.
Identifiers: ClinVar variation 1047684 (VCV001047684.7), dbSNP rs577385550, ClinGen allele CA958656.